The following is an entry in ClinVar:

ClinVar aggregate classification (germline): Likely benign. Review status: criteria provided, multiple submitters, no conflicts (2 of 4 stars). 4 submissions from 4 submitters: Likely benign (4). Last evaluated 2024-12-23.

Conditions:
Cardiomyopathy (CMYO). Also called: Cardiomyopathies. Identifiers: Orphanet 167848, MedGen C0878544, MONDO:0004994, HP:0001638. Inheritance: Various modes of inheritance.
Hypertrophic cardiomyopathy. Also called: HYPERTROPHIC MYOCARDIOPATHY. Identifiers: Orphanet 217569, MedGen C0007194, MeSH D002312, MONDO:0005045, HP:0001639.

Allele frequency attached by ClinVar (database versions not stated): TOPMed below 0.00001.

Submissions (4):

Labcorp Genetics (formerly Invitae), Labcorp
Classification: Likely benign for Hypertrophic cardiomyopathy. Last evaluated: 2024-12-23. Review status: criteria provided, single submitter. Criteria: Invitae Variant Classification Sherloc (09022015). Collection method: clinical testing. Allele origin: germline.

Women's Health and Genetics/Laboratory Corporation of America, LabCorp
Classification: Likely benign. Last evaluated: 2022-10-22. Review status: criteria provided, single submitter. Criteria: LabCorp Variant Classification Summary - May 2015. Collection method: clinical testing. Allele origin: germline.

Color Diagnostics, LLC DBA Color Health
Classification: Likely benign for Cardiomyopathy. Last evaluated: 2019-09-30. Review status: criteria provided, single submitter. Criteria: ACMG Guidelines, 2015. Collection method: clinical testing. Allele origin: germline.

GeneDx
Classification: Likely benign. Last evaluated: 2018-05-01. Review status: criteria provided, single submitter. Criteria: GeneDx Variant Classification (06012015). Collection method: clinical testing. Allele origin: germline. Affected: yes.
Comment: This variant is considered likely benign or benign based on one or more of the following criteria: it is a conservative change, it occurs at a poorly conserved position in the protein, it is predicted to be benign by multiple in silico algorithms, and/or has population frequency not consistent with disease.

NM_000257.4(MYH7):c.5067T>G (p.Arg1689=)

Genes: MHRT (myosin heavy chain associated RNA transcript; plus strand), MYH7 (myosin heavy chain 7; minus strand), LOC126861897 (BRD4-independent group 4 enhancer GRCh37_chr14:23884455-23885654; plus strand). Cytogenetic location: 14q11.2.
Variant type: single nucleotide variant.
Coding change: c.5067T>G on transcript NM_000257.4 (MANE Select); coding-DNA position 5067, T replaced by G.
Protein change: p.Arg1689=; no amino-acid change (arginine 1689 retained).
Molecular consequence: synonymous variant. On other transcripts: non-coding transcript variant (1).
Genome position (GRCh38, 1-based): chr14:23,415,719, A>C on the plus strand (T>G on the coding strand, the complement: MYH7 is on the minus strand). VCF-style: chr14-23415719-A-C. GRCh37 (hg19) VCF-style: chr14-23884928-A-C.
Identifiers: ClinVar variation 670120 (VCV000670120.12), dbSNP rs1595072723, ClinGen allele CA485766096.